The following is an entry in ClinVar:

ClinVar aggregate classification (germline): Pathogenic (1 of 4 stars; one submission).

Conditions:
Congenital factor V deficiency. Also called: OWREN PARAHEMOPHILIA; PARAHEMOPHILIA; Hereditary factor V deficiency disease; LABILE FACTOR DEFICIENCY. Identifiers: Orphanet 326, MedGen C0015499, MONDO:0009210, OMIM 227400.

gnomAD v4.1: 1 of 1,613,724 alleles (0.000062%); highest among the groups gnomAD compares: Non-Finnish European, 0.000085%; no homozygotes.

Submission:

Labcorp Genetics (formerly Invitae), Labcorp
Classification: Pathogenic for Congenital factor V deficiency. Last evaluated: 2025-09-06. Review status: criteria provided, single submitter. Criteria: Invitae Variant Classification Sherloc (09022015). Collection method: clinical testing. Allele origin: germline.
Comment: This sequence change creates a premature translational stop signal (p.Gln2031*) in the F5 gene. It is expected to result in an absent or disrupted protein product. Loss-of-function variants in F5 are known to be pathogenic (PMID: 30924984). This variant is not present in population databases (gnomAD no frequency). This variant has not been reported in the literature in individuals affected with F5-related conditions. For these reasons, this variant has been classified as Pathogenic.

Literature cited by the submitters: PubMed 30924984.

NM_000130.5(F5):c.6091C>T (p.Gln2031Ter)

Gene: F5 (coagulation factor V; minus strand). Cytogenetic location: 1q24.2.
Variant type: single nucleotide variant.
Coding change: c.6091C>T on transcript NM_000130.5 (MANE Select); coding-DNA position 6091, C replaced by T.
Protein change: p.Gln2031Ter; replaces glutamine 2031 with a stop codon.
Molecular consequence: nonsense.
Genome position (GRCh38, 1-based): chr1:169,520,622, G>A on the plus strand (C>T on the coding strand, the complement: F5 is on the minus strand). VCF-style: chr1-169520622-G-A. GRCh37 (hg19) VCF-style: chr1-169489860-G-A.
Other names: short protein forms Q2031*.
Identifiers: ClinVar variation 4811888 (VCV004811888.1).
Genomic context (GRCh38, chr1:169,520,622, plus strand): 5'-TGTTATAGGCTCGAGTTGGAGAGATCCTAATATATCTAGCCACAATAGGTGGGTCAAACT[G>A]ATTCTCTTTTATTGTAGAGGCATCTGAATTGCCATTAAAATACTAGAAGAAAAGAGGAAA-3'